The following is an entry in ClinVar:

NM_006005.3(WFS1):c.461-208G>C

Gene: WFS1 (wolframin ER transmembrane glycoprotein; plus strand). Cytogenetic location: 4p16.1.
Variant type: single nucleotide variant.
Coding change: c.461-208G>C on transcript NM_006005.3 (MANE Select); 208 bases into the intron before coding-DNA position 461, G replaced by C.
Molecular consequence: intron variant.
Genome position (GRCh38, 1-based): chr4:6,290,989, G>C. VCF-style: chr4-6290989-G-C. GRCh37 (hg19) VCF-style: chr4-6292716-G-C.
Other names: c.461-208G>C (NM_001145853.1).
Identifiers: ClinVar variation 670287 (VCV000670287.2), dbSNP rs11732208, ClinGen allele CA11844597.
Genomic context (GRCh38, chr4:6,290,989, plus strand): 5'-AACAGGAAGAGGCTGCCTTCTTCCCGCCAGCATGTAGGGGGCACTTGGGGGCGTCTGGTG[G>C]GAGACCAGTCTGGCCTCCCAGCTGGAGAGTGGGCGTGGCGCGATGTCCTCTTGAGTCAGA-3'

ClinVar aggregate classification (germline): Benign. Review status: criteria provided, multiple submitters, no conflicts (2 of 4 stars). 2 submissions from 2 submitters: Benign (2). Last evaluated 2018-06-14.

Conditions:
Wolfram syndrome 1 (WFS1). Identifiers: Orphanet 3463, MedGen C4551693, MONDO:0009101, OMIM 222300.

Allele frequency attached by ClinVar (database versions not stated): gnomAD 0.63585; TOPMed 0.65049; 1000 Genomes Project 30x 0.72736; 1000 Genomes Project 0.72883.
gnomAD v4.1: 97,209 of 151,964 alleles (64%); highest among the groups gnomAD compares: East Asian, 93%; 31,701 homozygotes.

Submissions (2):

GeneDx
Classification: Benign. Last evaluated: 2018-06-14. Review status: criteria provided, single submitter. Criteria: GeneDx Variant Classification (06012015). Collection method: clinical testing. Allele origin: germline. Affected: yes.
Comment: This variant is considered likely benign or benign based on one or more of the following criteria: it is a conservative change, it occurs at a poorly conserved position in the protein, it is predicted to be benign by multiple in silico algorithms, and/or has population frequency not consistent with disease.

Clinical Genomics, Uppaluri K&H Personalized Medicine Clinic
Classification: Benign for Wolfram syndrome 1. Review status: criteria provided, single submitter. Criteria: K & H Uppaluri Personalized Medicine Clinic Variant Classification & Assertion Criteria_Updated V.1. Collection method: research. Allele origin: unknown. Inheritance: Autosomal recessive inheritance.
Comment: Potent mutations in WFS1 gene are associated with Wolfram's syndrome, an autosomal recessive condition, which cause diabetes mellitus, diabetes insipidus, deafness and optic atrophy. However no sufficient evidence is found to ascertain the role of this particular variant rs11732208 in Wolfram's syndrome yet.

Literature cited by the submitters: PubMed 20738327 (cited by Clinical Genomics, Uppaluri K&H Personalized Medicine Clinic); PubMed 33879153 (cited by Clinical Genomics, Uppaluri K&H Personalized Medicine Clinic); PubMed 12955714 (cited by Clinical Genomics, Uppaluri K&H Personalized Medicine Clinic); PubMed 18060660 (cited by Clinical Genomics, Uppaluri K&H Personalized Medicine Clinic); PubMed 20301750 (cited by Clinical Genomics, Uppaluri K&H Personalized Medicine Clinic); PubMed 17603484 (cited by Clinical Genomics, Uppaluri K&H Personalized Medicine Clinic).